The following is an entry in ClinVar:

NM_001737.5(C9):c.934G>A (p.Asp312Asn)

Gene: C9 (complement C9; minus strand). Cytogenetic location: 5p13.1.
Variant type: single nucleotide variant.
Coding change: c.934G>A on transcript NM_001737.5 (MANE Select); coding-DNA position 934, G replaced by A.
Protein change: p.Asp312Asn; replaces aspartic acid 312 with asparagine.
Molecular consequence: missense variant.
Genome position (GRCh38, 1-based): chr5:39,311,314, C>T on the plus strand (G>A on the coding strand, the complement: C9 is on the minus strand). VCF-style: chr5-39311314-C-T. GRCh37 (hg19) VCF-style: chr5-39311416-C-T.
Other names: short protein forms D312N.
Identifiers: ClinVar variation 1379476 (VCV001379476.6), dbSNP rs147710831, ClinGen allele CA3246844.

ClinVar aggregate classification (germline): Uncertain significance. Review status: criteria provided, multiple submitters, no conflicts (2 of 4 stars). 2 submissions from 2 submitters: Uncertain significance (2). Last evaluated 2022-07-05.

Allele frequency attached by ClinVar (database versions not stated): ESP Exome Variant Server 0.00008; gnomAD 0.00012 and 0.00013; TOPMed 0.00016; ExAC 0.00023; gnomAD exomes 0.00026 and 0.00034; 1000 Genomes Project 0.00040; 1000 Genomes Project 30x 0.00062.
gnomAD v4.1: 512 of 1,612,832 alleles (0.032%); highest among the groups gnomAD compares: South Asian, 0.052%; 1 homozygote.

Submissions (2):

Labcorp Genetics (formerly Invitae), Labcorp
Classification: Uncertain significance. Last evaluated: 2022-07-05. Review status: criteria provided, single submitter. Criteria: Invitae Variant Classification Sherloc (09022015). Collection method: clinical testing. Allele origin: germline.
Comment: This sequence change replaces aspartic acid, which is acidic and polar, with asparagine, which is neutral and polar, at codon 312 of the C9 protein (p.Asp312Asn). This variant is present in population databases (rs147710831, gnomAD 0.04%). This variant has not been reported in the literature in individuals affected with C9-related conditions. ClinVar contains an entry for this variant (Variation ID: 1379476). Algorithms developed to predict the effect of missense changes on protein structure and function output the following: SIFT: "Not Available"; PolyPhen-2: "Benign"; Align-GVGD: "Not Available". The asparagine amino acid residue is found in multiple mammalian species, which suggests that this missense change does not adversely affect protein function. In summary, the available evidence is currently insufficient to determine the role of this variant in disease. Therefore, it has been classified as a Variant of Uncertain Significance.

Breakthrough Genomics
Classification: Uncertain significance. Review status: criteria provided, single submitter. Criteria: ACMG Guidelines, 2015. Collection method: not provided. Allele origin: germline. Inheritance: Autosomal dominant inheritance. Affected: yes.